The following is an entry in ClinVar:

ClinVar aggregate classification (germline): Pathogenic/Likely pathogenic. Review status: criteria provided, multiple submitters, no conflicts (2 of 4 stars). 2 submissions from 2 submitters: Pathogenic (1); Likely pathogenic (1). Last evaluated 2025-10-02.

Allele frequency attached by ClinVar (database versions not stated): gnomAD 0.00003; gnomAD exomes below 0.00001 and 0.00003; TOPMed 0.00001.

Submissions (2):

Labcorp Genetics (formerly Invitae), Labcorp
Classification: Pathogenic. Last evaluated: 2025-10-02. Review status: criteria provided, single submitter. Criteria: Invitae Variant Classification Sherloc (09022015). Collection method: clinical testing. Allele origin: germline.
Comment: This sequence change creates a premature translational stop signal (p.Trp63*) in the LARS2 gene. It is expected to result in an absent or disrupted protein product. Loss-of-function variants in LARS2 are known to be pathogenic (PMID: 23541342, 30737337). This variant is present in population databases (no rsID available, gnomAD 0.004%). This variant has not been reported in the literature in individuals affected with LARS2-related conditions. ClinVar contains an entry for this variant (Variation ID: 1203650). For these reasons, this variant has been classified as Pathogenic.

GeneDx
Classification: Likely pathogenic. Last evaluated: 2024-04-23. Review status: criteria provided, single submitter. Criteria: GeneDx Variant Classification Process June 2021. Collection method: clinical testing. Allele origin: germline. Affected: yes.
Comment: Nonsense variant predicted to result in protein truncation or nonsense mediated decay in a gene for which loss-of-function is a known mechanism of disease; Not observed at significant frequency in large population cohorts (gnomAD); Has not been previously published as pathogenic or benign to our knowledge

Literature cited by the submitters: PubMed 23541342 (cited by Labcorp Genetics (formerly Invitae), Labcorp); PubMed 30737337 (cited by Labcorp Genetics (formerly Invitae), Labcorp).

NM_015340.4(LARS2):c.189G>A (p.Trp63Ter)

Gene: LARS2 (leucyl-tRNA synthetase 2, mitochondrial; plus strand). Cytogenetic location: 3p21.31.
Variant type: single nucleotide variant.
Coding change: c.189G>A on transcript NM_015340.4 (MANE Select); coding-DNA position 189, G replaced by A.
Protein change: p.Trp63Ter; replaces tryptophan 63 with a stop codon.
Molecular consequence: nonsense.
Genome position (GRCh38, 1-based): chr3:45,394,642, G>A. VCF-style: chr3-45394642-G-A. GRCh37 (hg19) VCF-style: chr3-45436134-G-A.
Other names: c.189G>A, p.Trp63Ter (NM_001368263.1); short protein forms W63*.
Identifiers: ClinVar variation 1203650 (VCV001203650.7), dbSNP rs1213550131, ClinGen allele CA352974804.